The following is an entry in ClinVar:

ClinVar aggregate classification (germline): Uncertain significance (1 of 4 stars; one submission).

Conditions:
Long QT syndrome (LQTS). Identifiers: MedGen C0023976, MeSH D008133, MONDO:0002442. Disease mechanism: loss of function. Inheritance: Various modes of inheritance.

Submission:

Labcorp Genetics (formerly Invitae), Labcorp
Classification: Uncertain significance for Long QT syndrome. Last evaluated: 2023-12-19. Review status: criteria provided, single submitter. Criteria: Invitae Variant Classification Sherloc (09022015). Collection method: clinical testing. Allele origin: germline.
Comment: This sequence change replaces asparagine, which is neutral and polar, with lysine, which is basic and polar, at codon 33 of the KCNH2 protein (p.Asn33Lys). This variant is not present in population databases (gnomAD no frequency). This variant has not been reported in the literature in individuals affected with KCNH2-related conditions. An algorithm developed to predict the effect of missense changes on protein structure and function (PolyPhen-2) suggests that this variant is likely to be disruptive. In summary, the available evidence is currently insufficient to determine the role of this variant in disease. Therefore, it has been classified as a Variant of Uncertain Significance.

NM_000238.4(KCNH2):c.99C>A (p.Asn33Lys)

Gene: KCNH2 (potassium voltage-gated channel subfamily H member 2; minus strand). Cytogenetic location: 7q36.1.
Variant type: single nucleotide variant.
Coding change: c.99C>A on transcript NM_000238.4 (MANE Select); coding-DNA position 99, C replaced by A.
Protein change: p.Asn33Lys; replaces asparagine 33 with lysine.
Molecular consequence: missense variant. On other transcripts: 5 prime UTR variant (1), non-coding transcript variant (1).
Genome position (GRCh38, 1-based): chr7:150,974,919, G>T on the plus strand (C>A on the coding strand, the complement: KCNH2 is on the minus strand). VCF-style: chr7-150974919-G-T. GRCh37 (hg19) VCF-style: chr7-150672007-G-T.
Other names: c.-79C>A (NM_001406755.1); c.99C>A, p.Asn33Lys (NM_172056.3); short protein forms N33K.
Identifiers: ClinVar variation 2704144 (VCV002704144.3), dbSNP rs2486157141, ClinGen allele CA369865976.